The following is an entry in ClinVar:

ClinVar aggregate classification (germline): Pathogenic (1 of 4 stars; one submission).

Conditions:
Amyotrophic lateral sclerosis type 2, juvenile. Also called: Amyotrophic lateral sclerosis type 2; ALS, JUVENILE. Identifiers: Orphanet 300605, MedGen C1859807, MONDO:0008780, OMIM 205100.

Submission:

Institute of Human Genetics, University of Leipzig Medical Center
Classification: Pathogenic for Amyotrophic lateral sclerosis type 2, juvenile. Last evaluated: 2024-09-20. Review status: criteria provided, single submitter. Criteria: ACMG Guidelines, 2015. Collection method: clinical testing. Allele origin: maternal. Affected: yes.
Comment: Criteria applied: PVS1,PM2_MOD,PM3

NM_020919.4(ALS2):c.1250C>G (p.Ser417Ter)

Gene: ALS2 (alsin Rho guanine nucleotide exchange factor ALS2; minus strand). Cytogenetic location: 2q33.1.
Variant type: single nucleotide variant.
Coding change: c.1250C>G on transcript NM_020919.4 (MANE Select); coding-DNA position 1250, C replaced by G.
Protein change: p.Ser417Ter; replaces serine 417 with a stop codon.
Molecular consequence: nonsense.
Genome position (GRCh38, 1-based): chr2:201,757,623, G>C on the plus strand (C>G on the coding strand, the complement: ALS2 is on the minus strand). VCF-style: chr2-201757623-G-C. GRCh37 (hg19) VCF-style: chr2-202622346-G-C.
Other names: c.1250C>G, p.Ser417Ter (NM_001410975.1); short protein forms S417*.
Identifiers: ClinVar variation 3359053 (VCV003359053.2).
Genomic context (GRCh38, chr2:201,757,623, plus strand): 5'-CCTGCCTGAGCTCCAGTTTCACAAGGGGTTGTACTATAAAAGTTCATAACTTTCTTCAGT[G>C]ACAAGGCACCAGCTTCATAAGTAGCAGCCACTCTCACACCAACAGCAGATGCACAAGAGA-3'